The following is an entry in ClinVar:

NM_001379270.1(CNGA1):c.818G>A (p.Arg273Gln)

Genes: CNGA1 (cyclic nucleotide gated channel subunit alpha 1; minus strand), LOC101927157 (uncharacterized LOC101927157; plus strand). Cytogenetic location: 4p12.
Variant type: single nucleotide variant.
Coding change: c.818G>A on transcript NM_001379270.1 (MANE Select); coding-DNA position 818, G replaced by A.
Protein change: p.Arg273Gln; replaces arginine 273 with glutamine.
Molecular consequence: missense variant.
Genome position (GRCh38, 1-based): chr4:47,937,664, C>T on the plus strand (G>A on the coding strand, the complement: CNGA1 is on the minus strand). VCF-style: chr4-47937664-C-T. GRCh37 (hg19) VCF-style: chr4-47939681-C-T.
Other names: c.830G>A (NM_000087.4); c.818G>A, p.Arg273Gln (NM_000087.5, NM_001142564.2); short protein forms R273Q.
Identifiers: ClinVar variation 420947 (VCV000420947.11), dbSNP rs371238926, ClinGen allele CA2911182.

ClinVar aggregate classification (germline): Conflicting classifications of pathogenicity. Review status: criteria provided, conflicting classifications (1 of 4 stars). 5 submissions from 5 submitters: Likely pathogenic (2); Uncertain significance (2). 1 of the submissions does not count toward it. Last evaluated 2023-08-13.

Conditions:
CNGA1-related disorder. Also called: CNGA1-related condition.
Retinal dystrophy. Also called: Inherited retinal dystrophy. Identifiers: Orphanet 71862, MedGen C0854723, MeSH D058499, MONDO:0019118, HP:0000556.

Allele frequency attached by ClinVar (database versions not stated): gnomAD exomes 0.00001; TOPMed 0.00001; ExAC 0.00002; ESP Exome Variant Server 0.00008.
gnomAD v4.1: 19 of 1,614,086 alleles (0.0012%); highest among the groups gnomAD compares: African/African-American, 0.0027%; no homozygotes.

Submissions (5):

Women's Health and Genetics/Laboratory Corporation of America, LabCorp
Classification: Uncertain significance. Last evaluated: 2023-08-13. Review status: criteria provided, single submitter. Criteria: LabCorp Variant Classification Summary - May 2015. Collection method: clinical testing. Allele origin: germline.
Comment: Variant summary: CNGA1 c.818G>A (p.Arg273Gln) results in a conservative amino acid change located in the Ion transport domain (IPR005821) of the encoded protein sequence. Three of five in-silico tools predict a damaging effect of the variant on protein function. Computational tools predict no significant impact on normal splicing. However, these predictions have yet to be confirmed by functional studies. The variant allele was found at a frequency of 8e-06 in 249156 control chromosomes (i.e., 2 heterozygotes; gnomAD v2.1 Exomes dataset). The available data on variant occurrences in the general population are insufficient to allow any conclusion about variant significance. c.818G>A has been reported in the literature in at least one compound heterozygous individual affected with Retinitis Pigmentosa (e.g., Perez-Carro_2016). These data do not allow any conclusion about variant significance. To our knowledge, no experimental evidence demonstrating an impact on protein function has been reported. The following publication was ascertained in the context of this evaluation (PMID: 26806561). Two submitters have reported clinical-significance assessments for this variant to ClinVar after 2014. One submitter classified the variant as likely pathogenic, and one submitter classified the variant as uncertain significance; both submitters cited overlapping evidence in their assessments. Based on the evidence outlined above, the variant was classified as uncertain significance.

Labcorp Genetics (formerly Invitae), Labcorp
Classification: Uncertain significance. Last evaluated: 2022-05-15. Review status: criteria provided, single submitter. Criteria: Invitae Variant Classification Sherloc (09022015). Collection method: clinical testing. Allele origin: germline.
Comment: This sequence change replaces arginine, which is basic and polar, with glutamine, which is neutral and polar, at codon 277 of the CNGA1 protein (p.Arg277Gln). This variant is present in population databases (rs371238926, gnomAD 0.007%). This missense change has been observed in individual(s) with retinitis pigmentosa (PMID: 26806561). In at least one individual the data is consistent with being in trans (on the opposite chromosome) from a pathogenic variant. ClinVar contains an entry for this variant (Variation ID: 420947). Algorithms developed to predict the effect of missense changes on protein structure and function (SIFT, PolyPhen-2, Align-GVGD) all suggest that this variant is likely to be disruptive. This variant disrupts the p.Arg277 amino acid residue in CNGA1. Other variant(s) that disrupt this residue have been observed in individuals with CNGA1-related conditions (PMID: 24265693), which suggests that this may be a clinically significant amino acid residue. In summary, the available evidence is currently insufficient to determine the role of this variant in disease. Therefore, it has been classified as a Variant of Uncertain Significance.

GeneDx
Classification: Likely pathogenic. Last evaluated: 2019-09-05. Review status: criteria provided, single submitter. Criteria: GeneDx Variant Classification Process June 2021. Collection method: clinical testing. Allele origin: germline. Affected: yes.
Comment: A different missense change at this residue (R277W) has been reported in the published literature in association with autosomal recessive retinitis pigmentosa (Eisenberger et al., 2013); In silico analysis, which includes protein predictors and evolutionary conservation, supports a deleterious effect; This variant is associated with the following publications: (PMID: 26806561)

Blueprint Genetics
Classification: Likely pathogenic for CNGA1-related disorders. Last evaluated: 2018-07-11. Review status: criteria provided, single submitter. Criteria: ACMG Guidelines, 2015. Collection method: clinical testing. Allele origin: germline. Affected: yes. Observed: 3 variant alleles.

Institute of Human Genetics, Univ. Regensburg, Univ. Regensburg
Classification: Likely pathogenic for Retinal dystrophy. Last evaluated: 2017-01-01. Review status: no assertion criteria provided. Criteria: ACMG Guidelines, 2015. Collection method: clinical testing. Allele origin: germline. Affected: yes. Not counted in ClinVar's aggregate classification.

Literature cited by the submitters: PubMed 26806561 (cited by Women's Health and Genetics/Laboratory Corporation of America, LabCorp and Labcorp Genetics (formerly Invitae), Labcorp); PubMed 24265693 (cited by Labcorp Genetics (formerly Invitae), Labcorp).